The following is an entry in ClinVar:

NM_016239.4(MYO15A):c.3585C>T (p.Val1195=)

Gene: MYO15A (myosin XVA; plus strand). Cytogenetic location: 17p11.2.
Variant type: single nucleotide variant.
Coding change: c.3585C>T on transcript NM_016239.4 (MANE Select); coding-DNA position 3585, C replaced by T.
Protein change: p.Val1195=; no amino-acid change (valine 1195 retained).
Molecular consequence: synonymous variant.
Genome position (GRCh38, 1-based): chr17:18,122,385, C>T. VCF-style: chr17-18122385-C-T. GRCh37 (hg19) VCF-style: chr17-18025699-C-T.
Identifiers: ClinVar variation 1120143 (VCV001120143.7), dbSNP rs1398856621, ClinGen allele CA498430216.

ClinVar aggregate classification (germline): Likely benign. Review status: criteria provided, multiple submitters, no conflicts (2 of 4 stars). 2 submissions from 2 submitters: Likely benign (2). Last evaluated 2023-11-21.

Allele frequency attached by ClinVar (database versions not stated): gnomAD exomes below 0.00001 and 0.00001; gnomAD 0.00002; TOPMed 0.00002.
gnomAD v4.1: 13 of 1,612,482 alleles (0.00081%); highest among the groups gnomAD compares: Admixed American, 0.005%; 1 homozygote.

Submissions (2):

Labcorp Genetics (formerly Invitae), Labcorp
Classification: Likely benign. Last evaluated: 2023-11-21. Review status: criteria provided, single submitter. Criteria: Invitae Variant Classification Sherloc (09022015). Collection method: clinical testing. Allele origin: germline.

Laboratory for Molecular Medicine, Mass General Brigham Personalized Medicine
Classification: Likely benign. Last evaluated: 2020-08-17. Review status: criteria provided, single submitter. Criteria: LMM Criteria. Collection method: clinical testing. Allele origin: germline. Observed: 1 variant allele.
Comment: The p.Val1195Val variant in MYO15A is classified as likely benign because it does not alter an amino acid residue, is not located within the splice consensus site, and computational splice prediction tools do not predict an impact on splicing. It has been identified in .0029% (1/34436) of Latino chromosomes by gnomAD. ACMG/AMP Criteria applied: PM2, BP4, BP7.